The following is an entry in ClinVar:

NM_000665.5(ACHE):c.1491G>A (p.Thr497=)

Gene: ACHE (acetylcholinesterase (Yt blood group); minus strand). Cytogenetic location: 7q22.1.
Variant type: single nucleotide variant.
Coding change: c.1491G>A on transcript NM_000665.5 (MANE Select); coding-DNA position 1491, G replaced by A.
Protein change: p.Thr497=; no amino-acid change (threonine 497 retained).
Molecular consequence: synonymous variant.
Genome position (GRCh38, 1-based): chr7:100,892,396, C>T on the plus strand (G>A on the coding strand, the complement: ACHE is on the minus strand). VCF-style: chr7-100892396-C-T. GRCh37 (hg19) VCF-style: chr7-100490017-C-T.
Other names: c.1227G>A, p.Thr409= (NM_001282449.2); c.1491G>A, p.Thr497= (NM_001302621.3, NM_001302622.2, NM_001367915.1 and 1 more transcripts); c.1692G>A, p.Thr564= (NM_001367918.1); c.1689G>A, p.Thr563= (NM_001367919.2).
Identifiers: ClinVar variation 2657777 (VCV002657777.24), dbSNP rs760239221, ClinGen allele CA4396356.

ClinVar aggregate classification (germline): Likely benign (1 of 4 stars; one submission).

Allele frequency attached by ClinVar (database versions not stated): gnomAD exomes 0.00001; TOPMed 0.00002; ExAC 0.00003; gnomAD 0.00003.

Submission:

CeGaT Center for Human Genetics Tuebingen
Classification: Likely benign. Last evaluated: 2022-06-01. Review status: criteria provided, single submitter. Criteria: CeGaT Center For Human Genetics Tuebingen Variant Classification Criteria Version 2. Collection method: clinical testing. Allele origin: germline. Affected: yes. Observed: 1 variant allele.
Comment: ACHE: BP4, BP7